The following is an entry in ClinVar:

NM_024747.6(HPS6):c.2216T>C (p.Leu739Pro)

Gene: HPS6 (HPS6 biogenesis of lysosomal organelles complex 2 subunit 3; plus strand). Cytogenetic location: 10q24.32.
Variant type: single nucleotide variant.
Coding change: c.2216T>C on transcript NM_024747.6 (MANE Select); coding-DNA position 2216, T replaced by C.
Protein change: p.Leu739Pro; replaces leucine 739 with proline.
Molecular consequence: missense variant.
Genome position (GRCh38, 1-based): chr10:102,067,690, T>C. VCF-style: chr10-102067690-T-C. GRCh37 (hg19) VCF-style: chr10-103827447-T-C.
Other names: short protein forms L739P.
Identifiers: ClinVar variation 1488250 (VCV001488250.3), dbSNP rs1437810817, ClinGen allele CA377877213.

ClinVar aggregate classification (germline): Uncertain significance (1 of 4 stars; one submission).

Allele frequency attached by ClinVar (database versions not stated): gnomAD exomes 0.00001 and below 0.00001; TOPMed 0.00001; gnomAD 0.00003.
gnomAD v4.1: 22 of 1,613,762 alleles (0.0014%); highest among the groups gnomAD compares: Non-Finnish European, 0.0019%; no homozygotes.

Submission:

Labcorp Genetics (formerly Invitae), Labcorp
Classification: Uncertain significance. Last evaluated: 2021-08-02. Review status: criteria provided, single submitter. Criteria: Invitae Variant Classification Sherloc (09022015). Collection method: clinical testing. Allele origin: germline.
Comment: This sequence change replaces leucine with proline at codon 739 of the HPS6 protein (p.Leu739Pro). The leucine residue is highly conserved and there is a moderate physicochemical difference between leucine and proline. This variant is not present in population databases (ExAC no frequency). This variant has not been reported in the literature in individuals affected with HPS6-related conditions. Algorithms developed to predict the effect of missense changes on protein structure and function (SIFT, PolyPhen-2, Align-GVGD) all suggest that this variant is likely to be disruptive. In summary, the available evidence is currently insufficient to determine the role of this variant in disease. Therefore, it has been classified as a Variant of Uncertain Significance.